The following is an entry in ClinVar:

NM_004168.4(SDHA):c.1936G>A (p.Asp646Asn)

Gene: SDHA (succinate dehydrogenase complex flavoprotein subunit A; plus strand). Cytogenetic location: 5p15.33.
Variant type: single nucleotide variant.
Coding change: c.1936G>A on transcript NM_004168.4 (MANE Select); coding-DNA position 1936, G replaced by A.
Protein change: p.Asp646Asn; replaces aspartic acid 646 with asparagine.
Molecular consequence: missense variant.
Genome position (GRCh38, 1-based): chr5:256,361, G>A. VCF-style: chr5-256361-G-A. GRCh37 (hg19) VCF-style: chr5-256476-G-A.
Other names: c.1792G>A, p.Asp598Asn (NM_001294332.2); c.1693G>A, p.Asp565Asn (NM_001330758.2); short protein forms D646N, D565N, D598N.
Identifiers: ClinVar variation 566572 (VCV000566572.17), dbSNP rs376986935, ClinGen allele CA3173466.

ClinVar aggregate classification (germline): Uncertain significance. Review status: criteria provided, multiple submitters, no conflicts (2 of 4 stars). 4 submissions from 4 submitters: Uncertain significance (4). Last evaluated 2026-02-04.

Conditions:
Hereditary cancer-predisposing syndrome. Also called: Neoplastic Syndromes, Hereditary; Tumor predisposition; Hereditary neoplastic syndrome; Hereditary Cancer Syndrome. Identifiers: Orphanet 140162, MedGen C0027672, MeSH D009386, MONDO:0015356.
Dilated cardiomyopathy 1GG (CMD1GG). Identifiers: Orphanet 154, MedGen C3150898, MONDO:0013339, OMIM 613642.
Mitochondrial complex II deficiency, nuclear type 1. Also called: SUCCINATE CoQ REDUCTASE DEFICIENCY. Identifiers: Orphanet 3208, MedGen C5700310, MONDO:0100294, OMIM 252011.
Pheochromocytoma/paraganglioma syndrome 5. Also called: Paragangliomas 5; SDHA-Related Hereditary Paraganglioma-Pheochromocytoma Syndrome. Identifiers: Orphanet 29072, MedGen C3279992, MONDO:0013602, OMIM 614165.

Allele frequency attached by ClinVar (database versions not stated): ExAC 0.00002; gnomAD exomes 0.00002; gnomAD 0.00003; TOPMed 0.00006; ESP Exome Variant Server 0.00008.
gnomAD v4.1: 27 of 1,613,696 alleles (0.0017%); highest among the groups gnomAD compares: South Asian, 0.011%; 1 homozygote.

Submissions (4):

Labcorp Genetics (formerly Invitae), Labcorp
Classification: Uncertain significance for Pheochromocytoma/paraganglioma syndrome 5; Mitochondrial complex II deficiency, nuclear type 1. Last evaluated: 2026-02-04. Review status: criteria provided, single submitter. Criteria: Invitae Variant Classification Sherloc (09022015). Collection method: clinical testing. Allele origin: germline.
Comment: This sequence change replaces aspartic acid, which is acidic and polar, with asparagine, which is neutral and polar, at codon 646 of the SDHA protein (p.Asp646Asn). This variant is present in population databases (rs376986935, gnomAD 0.006%). This missense change has been observed in individual(s) with SDHA-related conditions (PMID: 38127826). ClinVar contains an entry for this variant (Variation ID: 566572). Invitae Evidence Modeling of protein sequence and biophysical properties (such as structural, functional, and spatial information, amino acid conservation, physicochemical variation, residue mobility, and thermodynamic stability) indicates that this missense variant is not expected to disrupt SDHA protein function with a negative predictive value of 95%. In summary, the available evidence is currently insufficient to determine the role of this variant in disease. Therefore, it has been classified as a Variant of Uncertain Significance.

Ambry Genetics
Classification: Uncertain significance for Hereditary cancer-predisposing syndrome. Last evaluated: 2024-05-14. Review status: criteria provided, single submitter. Criteria: Ambry Variant Classification Scheme 2023. Collection method: clinical testing. Allele origin: germline.
Comment: The p.D646N variant (also known as c.1936G>A), located in coding exon 15 of the SDHA gene, results from a G to A substitution at nucleotide position 1936. The aspartic acid at codon 646 is replaced by asparagine, an amino acid with highly similar properties. This amino acid position is highly conserved in available vertebrate species. In addition, this alteration is predicted to be tolerated by in silico analysis. Based on the available evidence, the clinical significance of this variant remains unclear.

Baylor Genetics
Classification: Uncertain significance for Dilated cardiomyopathy 1GG. Last evaluated: 2023-12-05. Review status: criteria provided, single submitter. Criteria: ACMG Guidelines, 2015. Collection method: clinical testing. Allele origin: unknown.

GeneDx
Classification: Uncertain significance. Last evaluated: 2023-08-04. Review status: criteria provided, single submitter. Criteria: GeneDx Variant Classification Process June 2021. Collection method: clinical testing. Allele origin: germline. Affected: yes.
Comment: Not observed at significant frequency in large population cohorts (gnomAD); In silico analysis supports that this missense variant does not alter protein structure/function; Has not been previously published as pathogenic or benign to our knowledge

Literature cited by the submitters: PubMed 38127826 (cited by Labcorp Genetics (formerly Invitae), Labcorp).